The following is an entry in ClinVar:

NM_021098.3(CACNA1H):c.6200T>C (p.Val2067Ala)

Gene: CACNA1H (calcium voltage-gated channel subunit alpha1 H; plus strand). Cytogenetic location: 16p13.3.
Variant type: single nucleotide variant.
Coding change: c.6200T>C on transcript NM_021098.3 (MANE Select); coding-DNA position 6200, T replaced by C.
Protein change: p.Val2067Ala; replaces valine 2067 with alanine.
Molecular consequence: missense variant.
Genome position (GRCh38, 1-based): chr16:1,220,132, T>C. VCF-style: chr16-1220132-T-C. GRCh37 (hg19) VCF-style: chr16-1270132-T-C.
Other names: c.6182T>C, p.Val2061Ala (NM_001005407.2); short protein forms V2067A, V2061A.
Identifiers: ClinVar variation 962278 (VCV000962278.10), dbSNP rs1970366026, ClinGen allele CA394149274.

ClinVar aggregate classification (germline): Uncertain significance (1 of 4 stars; one submission).

Conditions:
Idiopathic generalized epilepsy. Also called: EIG; Generalised epilepsy. Identifiers: MedGen C0270850, MONDO:0005579, OMIM 600669.
Hyperaldosteronism, familial, type IV (HALD4). Also called: FH IV; ALDOSTERONISM, PRIMARY, AND HYPERTENSION. Identifiers: Orphanet 642671, MedGen C4310756, MONDO:0014875, OMIM 617027.

Submission:

Labcorp Genetics (formerly Invitae), Labcorp
Classification: Uncertain significance for Idiopathic generalized epilepsy; Hyperaldosteronism, familial, type IV. Last evaluated: 2025-01-06. Review status: criteria provided, single submitter. Criteria: Invitae Variant Classification Sherloc (09022015). Collection method: clinical testing. Allele origin: germline.
Comment: This sequence change replaces valine, which is neutral and non-polar, with alanine, which is neutral and non-polar, at codon 2067 of the CACNA1H protein (p.Val2067Ala). This variant is not present in population databases (gnomAD no frequency). This variant has not been reported in the literature in individuals affected with CACNA1H-related conditions. ClinVar contains an entry for this variant (Variation ID: 962278). Invitae Evidence Modeling of protein sequence and biophysical properties (such as structural, functional, and spatial information, amino acid conservation, physicochemical variation, residue mobility, and thermodynamic stability) indicates that this missense variant is not expected to disrupt CACNA1H protein function with a negative predictive value of 80%. In summary, the available evidence is currently insufficient to determine the role of this variant in disease. Therefore, it has been classified as a Variant of Uncertain Significance.